The following is an entry in ClinVar:

NM_001164277.2(SLC37A4):c.381+15A>G

Gene: SLC37A4 (solute carrier family 37 member 4; minus strand). Cytogenetic location: 11q23.3.
Variant type: single nucleotide variant.
Coding change: c.381+15A>G on transcript NM_001164277.2 (MANE Select); 15 bases into the intron after coding-DNA position 381, A replaced by G.
Molecular consequence: intron variant.
Genome position (GRCh38, 1-based): chr11:119,028,179, T>C on the plus strand (A>G on the coding strand, the complement: SLC37A4 is on the minus strand). VCF-style: chr11-119028179-T-C. GRCh37 (hg19) VCF-style: chr11-118898889-T-C.
Other names: c.162+15A>G (NM_001164279.2); c.381+15A>G (NM_001467.6, NM_001164278.2, NM_001164280.2).
Identifiers: ClinVar variation 378615 (VCV000378615.6), dbSNP rs1057520372, ClinGen allele CA16605861.

ClinVar aggregate classification (germline): Likely benign. Review status: criteria provided, multiple submitters, no conflicts (2 of 4 stars). 3 submissions from 3 submitters: Likely benign (2). 1 of the submissions does not count toward it. Last evaluated 2026-01-26.

Conditions:
Glucose-6-phosphate transport defect (GSD1B). Also called: Glycogen Storage Disease Type Ib; GSD Ib. Identifiers: Orphanet 364, Orphanet 79259, MedGen C0268146, MONDO:0009288, OMIM 232220.

Allele frequency attached by ClinVar (database versions not stated): gnomAD 0.00003; gnomAD exomes 0.00003 and 0.00005; TOPMed 0.00003.

Submissions (3):

Labcorp Genetics (formerly Invitae), Labcorp
Classification: Likely benign for Glucose-6-phosphate transport defect. Last evaluated: 2026-01-26. Review status: criteria provided, single submitter. Criteria: Invitae Variant Classification Sherloc (09022015). Collection method: clinical testing. Allele origin: germline.

GeneDx
Classification: Likely benign. Last evaluated: 2016-03-14. Review status: criteria provided, single submitter. Criteria: GeneDx Variant Classification (06012015). Collection method: clinical testing. Allele origin: germline. Affected: yes.
Comment: This variant is considered likely benign or benign based on one or more of the following criteria: it is a conservative change, it occurs at a poorly conserved position in the protein, it is predicted to be benign by multiple in silico algorithms, and/or has population frequency not consistent with disease.

Counsyl
Classification: Likely benign for Glucose-6-phosphate transport defect. Last evaluated: 2017-05-18. Review status: no assertion criteria provided. Collection method: clinical testing. Allele origin: unknown. Not counted in ClinVar's aggregate classification.